The following is an entry in ClinVar:

ClinVar aggregate classification (germline): Pathogenic. Review status: criteria provided, multiple submitters, no conflicts (2 of 4 stars). 5 submissions from 5 submitters: Pathogenic (5). Last evaluated 2025-07-22.

Conditions:
Peroxisome biogenesis disorder 1B (PBD1B). Also called: ADRENOLEUKODYSTROPHY, AUTOSOMAL NEONATAL; Refsum disease, infantile form; Infantile Refsum disease; Infantile form of phytanic acid storage disease; PEROXISOME BIOGENESIS DISORDER (NEONATAL ADRENOLEUKODYSTROPHY/INFANTILE REFSUM DISEASE); INFANTILE PHYTANIC ACID STORAGE DISEASE. Identifiers: Orphanet 44, MedGen C0282527, MONDO:0011101, OMIM 601539.
Peroxisome biogenesis disorder 1A (Zellweger) (PBD1A). Also called: Peroxisome biogenesis disorder 1a; Zellweger leukodystrophy. Identifiers: MedGen C4721541, MONDO:0008953, OMIM 214100.
Heimler syndrome 1 (HMLR1). Also called: PEROXISOME BIOGENESIS DISORDER 1C. Identifiers: Orphanet 3220, MedGen C4551980, OMIM 234580, MONDO:0024544.
Peroxisome biogenesis disorder. Identifiers: Orphanet 79189, MedGen C1832200, MONDO:0019234. Disease mechanism: loss of function.
Zellweger spectrum disorders (ZS). Also called: Zellweger Spectrum Disorder (ZSD); Zellweger syndrome; Zellweger Spectrum Disorder; Zellweger Spectrum. Identifiers: Orphanet 912, MedGen C0043459, MONDO:0019609.

Submissions (5):

Myriad Genetics, Inc.
Classification: Pathogenic for Peroxisome biogenesis disorder. Last evaluated: 2025-07-22. Review status: criteria provided, single submitter. Criteria: Myriad Autosomal Dominant, Autosomal Recessive and X-Linked Classification Criteria (2023). Collection method: clinical testing. Allele origin: unknown.
Comment: NM_000466.2(PEX1):c.1727dupG(R577Tfs*15) is expected to be pathogenic in the context of peroxisome biogenesis disorder type 1. This variant is predicted to lead to an abnormal or absent protein product due to the creation of a premature termination codon in PEX1, a gene where loss-of-function variants are known to be pathogenic. Please note: this variant was assessed in the context of healthy population screening.

Labcorp Genetics (formerly Invitae), Labcorp
Classification: Pathogenic for Zellweger spectrum disorders. Last evaluated: 2023-05-24. Review status: criteria provided, single submitter. Criteria: Invitae Variant Classification Sherloc (09022015). Collection method: clinical testing. Allele origin: germline.
Comment: This variant is not present in population databases (gnomAD no frequency). This sequence change creates a premature translational stop signal (p.Arg577Thrfs*15) in the PEX1 gene. It is expected to result in an absent or disrupted protein product. Loss-of-function variants in PEX1 are known to be pathogenic (PMID: 9398847, 16086329, 16141001, 21031596, 26387595, 31831025). This premature translational stop signal has been observed in individual(s) with Zellweger syndrome (PMID: 28432012). For these reasons, this variant has been classified as Pathogenic. ClinVar contains an entry for this variant (Variation ID: 830063).

Baylor Genetics
Classification: Pathogenic for Heimler syndrome 1. Last evaluated: 2021-12-30. Review status: criteria provided, single submitter. Criteria: ACMG Guidelines, 2015. Collection method: clinical testing. Allele origin: unknown.

Center for Molecular Medicine, Children’s Hospital of Fudan University
Classification: Pathogenic for Peroxisome biogenesis disorder 1A (Zellweger). Last evaluated: 2019-05-10. Review status: criteria provided, single submitter. Criteria: ACMG Guidelines, 2015. Collection method: clinical testing. Allele origin: maternal. Affected: yes.

Juno Genomics, Hangzhou Juno Genomics, Inc
Classification: Pathogenic for Heimler syndrome 1; Peroxisome biogenesis disorder 1A (Zellweger); Peroxisome biogenesis disorder 1B. Review status: criteria provided, single submitter. Criteria: ACMG Guidelines, 2015. Collection method: clinical testing. Allele origin: germline.
Comment: Absent from controls (or at extremely low frequency if recessive) in Genome Aggregation Database.;Null variant in a gene where loss of function (LOF) is a known mechanism of disease.;For recessive disorders, detected in trans with a pathogenic variant.

Literature cited by the submitters: PubMed 9398847 (cited by Labcorp Genetics (formerly Invitae), Labcorp); PubMed 16086329 (cited by Labcorp Genetics (formerly Invitae), Labcorp); PubMed 16141001 (cited by Labcorp Genetics (formerly Invitae), Labcorp); PubMed 21031596 (cited by Labcorp Genetics (formerly Invitae), Labcorp); PubMed 26387595 (cited by Labcorp Genetics (formerly Invitae), Labcorp); PubMed 31831025 (cited by Labcorp Genetics (formerly Invitae), Labcorp); PubMed 28432012 (cited by Labcorp Genetics (formerly Invitae), Labcorp).

NM_000466.3(PEX1):c.1727dup (p.Arg577fs)

Gene: PEX1 (peroxisomal biogenesis factor 1; minus strand). Cytogenetic location: 7q21.2.
Variant type: Duplication.
Coding change: c.1727dup on transcript NM_000466.3 (MANE Select); coding-DNA position 1727, one base duplicated (G; older notation c.1727dupG).
Protein change: p.Arg577fs; shifts the reading frame from arginine 577.
Molecular consequence: frameshift variant.
Genome position (GRCh38, 1-based): chr7:92,507,070, C duplicated on the plus strand (G on the coding strand, the reverse complement: PEX1 is on the minus strand); the first of 3 consecutive C bases (chr7:92,507,070-92,507,072); duplicating any one gives the same sequence. VCF-style (leftmost placement, unchanged base first): chr7-92507069-T-TC. GRCh37 (hg19) VCF-style: chr7-92136383-T-TC.
Other names: c.1727dup, p.Arg577fs (NM_001282677.2); c.1103dup, p.Arg369fs (NM_001282678.2); short protein forms R577fs, R369fs.
Identifiers: ClinVar variation 830063 (VCV000830063.10), dbSNP rs1585238595, ClinGen allele CA913187400.